The following is an entry in ClinVar:

ClinVar aggregate classification (germline): Uncertain significance (1 of 4 stars; one submission).

Submission:

Dasa
Classification: Uncertain significance. Last evaluated: 2025-05-21. Review status: criteria provided, single submitter. Criteria: DASA Assertion Criteria. Collection method: clinical testing. Allele origin: germline.
Comment: NM_000554.6(CRX):c.704G>A (p.Ser235Asn) is a missense variant that results in the substitution of serine with asparagine. This variant is rare in population databases. The currently available literature and clinical evidence are not sufficient to establish a definitive association between this variant and the reported condition. Therefore, this variant is classified as a variant of uncertain significance.

NM_000554.6(CRX):c.704G>A (p.Ser235Asn)

Gene: CRX (cone-rod homeobox; plus strand). Cytogenetic location: 19q13.33.
Variant type: single nucleotide variant.
Coding change: c.704G>A on transcript NM_000554.6 (MANE Select); coding-DNA position 704, G replaced by A.
Protein change: p.Ser235Asn; replaces serine 235 with asparagine.
Molecular consequence: missense variant.
Genome position (GRCh38, 1-based): chr19:47,839,771, G>A. VCF-style: chr19-47839771-G-A. GRCh37 (hg19) VCF-style: chr19-48343028-G-A.
Other names: short protein forms S235N.
Identifiers: ClinVar variation 4883584 (VCV004883584.2).